The following is an entry in ClinVar:

ClinVar aggregate classification (germline): Uncertain significance. Review status: criteria provided, multiple submitters, no conflicts (2 of 4 stars). 6 submissions from 6 submitters: Uncertain significance (5). 1 of the submissions does not count toward it. Last evaluated 2024-04-26.

Conditions:
TRIM32-related disorder. Also called: TRIM32-related condition.
Bardet-Biedl syndrome 11 (BBS11). Identifiers: Orphanet 110, MedGen C1859569, MONDO:0014439, OMIM 615988.
Sarcotubular myopathy (LGMDR8). Also called: MUSCULAR DYSTROPHY, LIMB-GIRDLE, AUTOSOMAL RECESSIVE 8; Autosomal recessive limb-girdle muscular dystrophy type 2H; Limb-girdle muscular dystrophy, type 2H; Hutterite type of muscular dystrophy. Identifiers: Orphanet 1878, MedGen C0270968, MONDO:0009683, OMIM 254110.
Bardet-Biedl syndrome (BBS). Identifiers: Orphanet 110, MedGen C0752166, MONDO:0015229.

Allele frequency attached by ClinVar (database versions not stated): gnomAD 0.00004 and 0.00005; gnomAD exomes 0.00001 and 0.00002; TOPMed 0.00008; ExAC 0.00002.
gnomAD v4.1: 26 of 1,614,084 alleles (0.0016%); highest among the groups gnomAD compares: Middle Eastern, 0.016%; no homozygotes.

Submissions (6):

Fulgent Genetics
Classification: Uncertain significance for Sarcotubular myopathy; Bardet-Biedl syndrome 11. Last evaluated: 2024-04-26. Review status: criteria provided, single submitter. Criteria: ACMG Guidelines, 2015. Collection method: clinical testing. Allele origin: germline.

Labcorp Genetics (formerly Invitae), Labcorp
Classification: Uncertain significance for Bardet-Biedl syndrome. Last evaluated: 2022-07-18. Review status: criteria provided, single submitter. Criteria: Invitae Variant Classification Sherloc (09022015). Collection method: clinical testing. Allele origin: germline.
Comment: This sequence change replaces isoleucine, which is neutral and non-polar, with valine, which is neutral and non-polar, at codon 43 of the TRIM32 protein (p.Ile43Val). This variant is present in population databases (rs764366522, gnomAD 0.004%). This variant has not been reported in the literature in individuals affected with TRIM32-related conditions. ClinVar contains an entry for this variant (Variation ID: 448704). Algorithms developed to predict the effect of missense changes on protein structure and function output the following: SIFT: "Tolerated"; PolyPhen-2: "Benign"; Align-GVGD: "Class C0". The valine amino acid residue is found in multiple mammalian species, which suggests that this missense change does not adversely affect protein function. In summary, the available evidence is currently insufficient to determine the role of this variant in disease. Therefore, it has been classified as a Variant of Uncertain Significance.

Revvity Omics, Revvity
Classification: Uncertain significance. Last evaluated: 2019-09-09. Review status: criteria provided, single submitter. Criteria: ACMG Guidelines, 2015. Collection method: clinical testing. Allele origin: germline.

Eurofins Ntd Llc (ga)
Classification: Uncertain significance. Last evaluated: 2018-01-25. Review status: criteria provided, single submitter. Criteria: EGL Classification Definitions 2015. Collection method: clinical testing. Allele origin: germline. Observed: 1 variant allele, 1 heterozygote.

Athena Diagnostics
Classification: Uncertain significance. Last evaluated: 2017-02-07. Review status: criteria provided, single submitter. Criteria: Athena Diagnostics Criteria. Collection method: clinical testing. Allele origin: germline.

PreventionGenetics, part of Exact Sciences
Classification: Uncertain significance for TRIM32-related condition. Last evaluated: 2024-09-05. Review status: no assertion criteria provided. Collection method: clinical testing. Allele origin: germline. Not counted in ClinVar's aggregate classification.
Comment: The TRIM32 c.127A>G variant is predicted to result in the amino acid substitution p.Ile43Val. To our knowledge, this variant has not been reported in the literature. This variant is reported in 0.0046% of alleles in individuals of European (Finnish) descent in gnomAD. At this time, the clinical significance of this variant is uncertain due to the absence of conclusive functional and genetic evidence.

NM_012210.4(TRIM32):c.127A>G (p.Ile43Val)

Genes: ASTN2 (astrotactin 2; minus strand), TRIM32 (tripartite motif containing 32; plus strand). Cytogenetic location: 9q33.1.
Variant type: single nucleotide variant.
Coding change: c.127A>G on transcript NM_012210.4 (MANE Select); coding-DNA position 127, A replaced by G.
Protein change: p.Ile43Val; replaces isoleucine 43 with valine.
Molecular consequence: missense variant. On other transcripts: intron variant (3).
Genome position (GRCh38, 1-based): chr9:116,697,869, A>G. VCF-style: chr9-116697869-A-G. GRCh37 (hg19) VCF-style: chr9-119460148-A-G.
Other names: c.2653+27902T>C (NM_014010.5); c.2794+27902T>C (NM_001365069.1); c.2806+27902T>C (NM_001365068.1); c.127A>G, p.Ile43Val (NM_001099679.2, NM_001379048.1, NM_001379049.1 and 1 more transcripts); short protein forms I43V.
Identifiers: ClinVar variation 448704 (VCV000448704.17), dbSNP rs764366522, ClinGen allele CA5210910.